The following is an entry in ClinVar:

ClinVar aggregate classification (germline): Uncertain significance (1 of 4 stars; one submission).

Conditions:
Bardet-Biedl syndrome 16 (BBS16). Identifiers: Orphanet 110, MedGen C3889474, MONDO:0014444, OMIM 615993.
Senior-Loken syndrome 7 (SLSN7). Identifiers: Orphanet 3156, MedGen C3150877, MONDO:0013326, OMIM 613615.

Submission:

Labcorp Genetics (formerly Invitae), Labcorp
Classification: Uncertain significance for Bardet-Biedl syndrome 16; Senior-Loken syndrome 7. Last evaluated: 2022-03-14. Review status: criteria provided, single submitter. Criteria: Invitae Variant Classification Sherloc (09022015). Collection method: clinical testing. Allele origin: germline.
Comment: In summary, the available evidence is currently insufficient to determine the role of this variant in disease. Therefore, it has been classified as a Variant of Uncertain Significance. Algorithms developed to predict the effect of missense changes on protein structure and function are either unavailable or do not agree on the potential impact of this missense change (SIFT: "Deleterious"; PolyPhen-2: "Probably Damaging"; Align-GVGD: "Class C0"). This variant has not been reported in the literature in individuals affected with SDCCAG8-related conditions. This variant is not present in population databases (gnomAD no frequency). This sequence change replaces glutamic acid, which is acidic and polar, with glycine, which is neutral and non-polar, at codon 133 of the SDCCAG8 protein (p.Glu133Gly).

NM_006642.5(SDCCAG8):c.398A>G (p.Glu133Gly)

Gene: SDCCAG8 (SHH signaling and ciliogenesis regulator SDCCAG8; plus strand). Cytogenetic location: 1q43.
Variant type: single nucleotide variant.
Coding change: c.398A>G on transcript NM_006642.5 (MANE Select); coding-DNA position 398, A replaced by G.
Protein change: p.Glu133Gly; replaces glutamic acid 133 with glycine.
Molecular consequence: missense variant. On other transcripts: 5 prime UTR variant (3).
Genome position (GRCh38, 1-based): chr1:243,274,634, A>G. VCF-style: chr1-243274634-A-G. GRCh37 (hg19) VCF-style: chr1-243437936-A-G.
Other names: c.-715A>G (NM_001350246.2); c.-603A>G (NM_001350247.2); c.398A>G, p.Glu133Gly (NM_001350248.2); c.104A>G, p.Glu35Gly (NM_001350249.2); c.-976A>G (NM_001350251.2); short protein forms E133G, E35G.
Identifiers: ClinVar variation 2158979 (VCV002158979.4), dbSNP rs2547836441, ClinGen allele CA345477066.